The following is an entry in ClinVar:

ClinVar aggregate classification (germline): Uncertain significance (1 of 4 stars; one submission).

Conditions:
Neurodevelopmental disorder with dysmorphic facies and thin corpus callosum. Identifiers: MedGen C5551361, MONDO:0859179, OMIM 619480.

Submission:

OLLIN Analises Genomicas, OLLIN
Classification: Uncertain significance for Neurodevelopmental disorder with dysmorphic facies and thin corpus callosum. Last evaluated: 2026-08-06. Review status: criteria provided, single submitter. Criteria: ACMG Guidelines 2015 PMID 25741868. Collection method: clinical testing. Allele origin: germline.
Comment: This missense variant, located in exon 16 (of 26), is absent from gnomAD and ClinVar and has not been identified in the literature. In silico analysis predicts that this variant has a tolerated effect. According to the currently available evidence, this variant has been classified as uncertain significance (PM2_P, BP4_M).

NM_007192.4(SUPT16H):c.1901C>G (p.Thr634Ser)

Gene: SUPT16H (SPT16 homolog, facilitates chromatin remodeling subunit; minus strand). Cytogenetic location: 14q11.2.
Variant type: single nucleotide variant.
Coding change: c.1901C>G on transcript NM_007192.4 (MANE Select); coding-DNA position 1901, C replaced by G.
Protein change: p.Thr634Ser; replaces threonine 634 with serine.
Molecular consequence: missense variant.
Genome position (GRCh38, 1-based): chr14:21,361,106, G>C on the plus strand (C>G on the coding strand, the complement: SUPT16H is on the minus strand). VCF-style: chr14-21361106-G-C. GRCh37 (hg19) VCF-style: chr14-21829265-G-C.
Other names: short protein forms T634S.
Identifiers: ClinVar variation 5003025 (VCV005003025.1).